The following is an entry in ClinVar:

ClinVar aggregate classification (germline): Uncertain significance (1 of 4 stars; one submission).

Submission:

GeneDx
Classification: Uncertain significance. Last evaluated: 2016-04-21. Review status: criteria provided, single submitter. Criteria: GeneDx Variant Classification (06012015). Collection method: clinical testing. Allele origin: germline. Affected: yes.
Comment: A variant of uncertain significance has been identified in the CHRNB2 gene. The A411E variant has not been published as a pathogenic variant, nor has it been reported as a benign variant to our knowledge. It was not observed in approximately 4,100 individuals of European and African American ancestry in the NHLBI Exome Sequencing Project, indicating it is not a common benign variant in these populations. The A411E variant is a non-conservative amino acid substitution, which is likely to impact secondary protein structure as these residues differ in polarity, charge, size and/or other properties. However, this substitution occurs at a position that is not conserved and in silico analysis predicts this variant likely does not alter the protein structure/function. Additionally, this amino acid substitution is not predicted to occur within the transmembrane region of the protein, where the vast majority of pathogenic missense variants have been identified in association with epilepsy (Steinlein et al., 2010). Therefore, based on the currently available information, it is unclear whether this variant is a pathogenic variant or a rare benign variant.

NM_000748.3(CHRNB2):c.1232C>A (p.Ala411Glu)

Gene: CHRNB2 (cholinergic receptor nicotinic beta 2 subunit; plus strand). Cytogenetic location: 1q21.3.
Variant type: single nucleotide variant.
Coding change: c.1232C>A on transcript NM_000748.3 (MANE Select); coding-DNA position 1232, C replaced by A.
Protein change: p.Ala411Glu; replaces alanine 411 with glutamic acid.
Molecular consequence: missense variant.
Genome position (GRCh38, 1-based): chr1:154,572,055, C>A. VCF-style: chr1-154572055-C-A. GRCh37 (hg19) VCF-style: chr1-154544531-C-A.
Other names: short protein forms A411E.
Identifiers: ClinVar variation 420917 (VCV000420917.2), dbSNP rs763142542, ClinGen allele CA16616988.
Genomic context (GRCh38, chr1:154,572,055, plus strand): 5'-TCAACCGCGCGTCGGTGCAGGGGTTGGCCGGGGCCTTCGGGGCTGAGCCTGCACCAGTGG[C>A]GGGCCCCGGGCGCTCAGGGGAGCCGTGTGGCTGTGGCCTCCGGGAGGCGGTGGACGGCGT-3'
Protein context (NP_000739.1, residues 401-421): GAFGAEPAPV[Ala411Glu]GPGRSGEPCG